The following is an entry in ClinVar:

ClinVar aggregate classification (germline): Likely pathogenic (1 of 4 stars; one submission).

Conditions:
Inborn genetic diseases. Identifiers: MedGen C0950123, MeSH D030342.

Submission:

Ambry Genetics
Classification: Likely pathogenic for Inborn genetic diseases. Last evaluated: 2024-03-11. Review status: criteria provided, single submitter. Criteria: Ambry Variant Classification Scheme 2023. Collection method: clinical testing. Allele origin: germline.
Comment: The c.1061-1G>C intronic variant results from a G to C substitution one nucleotide before coding exon 8 of the NFIB gene. Alterations that disrupt the canonical splice site are expected to cause aberrant splicing, resulting in an abnormal protein or a transcript that is subject to nonsense-mediated mRNA decay. This variant was not reported in population-based cohorts in the Genome Aggregation Database (gnomAD). This nucleotide position is highly conserved in available vertebrate species. In silico splice site analysis predicts that this alteration will weaken the native splice acceptor site. Based on the available evidence, this alteration is classified as likely pathogenic.

NM_001190737.2(NFIB):c.1061-1G>C

Gene: NFIB (nuclear factor I B; minus strand). Cytogenetic location: 9p23.
Variant type: single nucleotide variant.
Coding change: c.1061-1G>C on transcript NM_001190737.2 (MANE Select); the canonical splice acceptor site of the intron before coding-DNA position 1061, G replaced by C.
Molecular consequence: splice acceptor variant.
Genome position (GRCh38, 1-based): chr9:14,120,625, C>G on the plus strand (G>C on the coding strand, the complement: NFIB is on the minus strand). VCF-style: chr9-14120625-C-G. GRCh37 (hg19) VCF-style: chr9-14120624-C-G.
Other names: c.1061-1G>C (NM_005596.3, NM_001369464.1, NM_001369461.1); c.1127-1G>C (NM_001369468.1, NM_001369462.1, NM_001369459.1 and 1 more transcripts); c.1139-1G>C (NM_001190738.2); c.824-1G>C (NM_001369478.1, NM_001369470.1); c.1046-1G>C (NM_001369473.1); c.1049-1G>C (NM_001369472.1, NM_001369466.1, NM_001369463.1 and 1 more transcripts); c.917-1G>C (NM_001369469.1); c.836-1G>C (NM_001369475.1); and 6 more.
Identifiers: ClinVar variation 3197505 (VCV003197505.1), dbSNP rs2537830164, ClinGen allele CA373092167.